The following is an entry in ClinVar:

ClinVar aggregate classification (germline): Likely pathogenic (0 of 4 stars; one submission).

Conditions:
Immunodeficiency 61 (IMD61). Also called: AGMX2. Identifiers: Orphanet 229717, Orphanet 47, Orphanet 696945, MedGen C1845903, MONDO:0010296, OMIM 300310.

Submission:

Pediatrics Department, Hospital General Granollers
Classification: Likely pathogenic for Immunodeficiency 61. Review status: no assertion criteria provided. Collection method: clinical testing. Allele origin: de novo. Inheritance: Sporadic. Affected: yes. Observed: 1 variant allele.
Comment: This disruption suggests that the resulting SH3KBP1 protein is likely non-functional. Importantly, this deletion is de novo. Given the clinical compatibility with IMD61, the de novo nature of the variant, and its likely loss-of-function effect, we propose that this deletion is likely pathogenic. While SH3KBP1 has been previously implicated in ASD and immune dysfunction independently, this is the first report to establish its concurrent role in both conditions. Additionally, the presence of cardiac anomalies - previously reported only once in a related but isolated case in ClinVar in 2011 (VCV000057650.1)

Literature cited by the submitters: PubMed 29636373.

NC_000001.11:g.19676448_19875998del

Genes: RNF186 (ring finger protein 186; minus strand), RNF186-AS1 (RNF186 antisense RNA 1; plus strand), TMCO4 (transmembrane and coiled-coil domains 4; minus strand), HTR6 (5-hydroxytryptamine receptor 6; plus strand), LOC126805645 (BRD4-independent group 4 enhancer GRCh37_chr1:20076458-20077657; plus strand) and 3 more. Cytogenetic location: 1p36.13.
Variant type: Deletion.
Identifiers: ClinVar variation 3767281 (VCV003767281.2).